The following is an entry in ClinVar:

ClinVar aggregate classification (germline): Benign/Likely benign. Review status: criteria provided, multiple submitters, no conflicts (2 of 4 stars). 4 submissions from 4 submitters: Benign (1); Likely benign (3). Last evaluated 2025-09-08.

Conditions:
Cardiovascular phenotype. Identifiers: MedGen CN230736.
Dilated cardiomyopathy 1O (CMD1O). Also called: CARDIOMYOPATHY, DILATED, WITH VENTRICULAR TACHYCARDIA. Identifiers: Orphanet 154, MedGen C1837839, MONDO:0012062, OMIM 608569.

Allele frequency attached by ClinVar (database versions not stated): ExAC 0.00008; gnomAD exomes 0.00011.
gnomAD v4.1: 74 of 1,613,070 alleles (0.0046%); highest among the groups gnomAD compares: South Asian, 0.066%; 1 homozygote.

Submissions (4):

Labcorp Genetics (formerly Invitae), Labcorp
Classification: Benign for Dilated cardiomyopathy 1O. Last evaluated: 2025-09-08. Review status: criteria provided, single submitter. Criteria: Invitae Variant Classification Sherloc (09022015). Collection method: clinical testing. Allele origin: germline.

CeGaT Center for Human Genetics Tuebingen
Classification: Likely benign. Last evaluated: 2025-08-01. Review status: criteria provided, single submitter. Criteria: CeGaT Center For Human Genetics Tuebingen Variant Classification Criteria Version 2. Collection method: clinical testing. Allele origin: germline. Affected: yes. Observed: 1 variant allele.
Comment: ABCC9: BP4, BP7

Ambry Genetics
Classification: Likely benign for Cardiovascular phenotype. Last evaluated: 2024-12-21. Review status: criteria provided, single submitter. Criteria: Ambry Variant Classification Scheme 2023. Collection method: clinical testing. Allele origin: germline.

Laboratory for Molecular Medicine, Mass General Brigham Personalized Medicine
Classification: Likely benign. Last evaluated: 2014-03-13. Review status: criteria provided, single submitter. Criteria: LMM Criteria. Collection method: clinical testing. Allele origin: germline. Observed: 2 variant alleles.
Comment: p.Val32Val in exon 1 of ABCC9: This variant is not expected to have clinical sig nificance because it does not alter an amino acid residue and is not located wit hin the splice consensus sequence. It has been identified in 10/16318 South Asia n chromosomes by the Exome Aggregation Consortium (ExAC).

NM_020297.4(ABCC9):c.96C>T (p.Val32=)

Gene: ABCC9 (ATP binding cassette subfamily C member 9; minus strand). Cytogenetic location: 12p12.1.
Variant type: single nucleotide variant.
Coding change: c.96C>T on transcript NM_020297.4 (MANE Select); coding-DNA position 96, C replaced by T.
Protein change: p.Val32=; no amino-acid change (valine 32 retained).
Molecular consequence: synonymous variant. On other transcripts: 5 prime UTR variant (1).
Genome position (GRCh38, 1-based): chr12:21,936,579, G>A on the plus strand (C>T on the coding strand, the complement: ABCC9 is on the minus strand). VCF-style: chr12-21936579-G-A. GRCh37 (hg19) VCF-style: chr12-22089513-G-A.
Other names: c.96C>T, p.Val32= (NM_001377273.1, NM_005691.4); c.-359C>T (NM_001377274.1).
Identifiers: ClinVar variation 179664 (VCV000179664.17), dbSNP rs727505034, ClinGen allele CA184875.